The following is an entry in ClinVar:

NM_022124.6(CDH23):c.3370-46T>C

Genes: C10orf105 (chromosome 10 open reading frame 105; minus strand), CDH23 (cadherin related 23; plus strand). Cytogenetic location: 10q22.1.
Variant type: single nucleotide variant.
Coding change: c.3370-46T>C on transcript NM_022124.6 (MANE Select); 46 bases into the intron before coding-DNA position 3370, T replaced by C.
Molecular consequence: intron variant.
Genome position (GRCh38, 1-based): chr10:71,723,999, T>C. VCF-style: chr10-71723999-T-C. GRCh37 (hg19) VCF-style: chr10-73483756-T-C.
Other names: c.3370-46T>C (NM_001171930.2); c.-5-7657A>G (NM_001168390.2).
Identifiers: ClinVar variation 676346 (VCV000676346.7), dbSNP rs3802712, ClinGen allele CA5544697.

ClinVar aggregate classification (germline): Benign. Review status: criteria provided, multiple submitters, no conflicts (2 of 4 stars). 4 submissions from 3 submitters: Benign (4). Last evaluated 2021-07-01.

Conditions:
Autosomal recessive nonsyndromic hearing loss 12. Also called: DEAFNESS, AUTOSOMAL RECESSIVE 12. Identifiers: Orphanet 90636, MedGen C1832394, MONDO:0011067, OMIM 601386.
Usher syndrome type 1D (USH1D). Also called: USHER SYNDROME, TYPE ID. Identifiers: Orphanet 231169, Orphanet 886, MedGen C1832845, MONDO:0010984, OMIM 601067.

Allele frequency attached by ClinVar (database versions not stated): gnomAD exomes 0.11452 and 0.05476; 1000 Genomes Project 30x 0.23860; gnomAD 0.16794 and 0.17108; ExAC 0.12501; ESP Exome Variant Server 0.13553; 1000 Genomes Project 0.23363; TOPMed 0.19768.
gnomAD v4.1: 103,905 of 1,548,538 alleles (6.7%); highest among the groups gnomAD compares: African/African-American, 43%; 11,846 homozygotes.

Submissions (4):

Genome-Nilou Lab
Classification: Benign for Usher syndrome type 1D. Last evaluated: 2021-07-01. Review status: criteria provided, single submitter. Criteria: ACMG Guidelines, 2015. Collection method: clinical testing. Allele origin: germline. Affected: no.

Genome-Nilou Lab
Classification: Benign for Autosomal recessive nonsyndromic hearing loss 12. Last evaluated: 2021-07-01. Review status: criteria provided, single submitter. Criteria: ACMG Guidelines, 2015. Collection method: clinical testing. Allele origin: germline. Affected: no.

GeneDx
Classification: Benign. Last evaluated: 2018-06-14. Review status: criteria provided, single submitter. Criteria: GeneDx Variant Classification (06012015). Collection method: clinical testing. Allele origin: germline. Affected: yes.
Comment: This variant is considered likely benign or benign based on one or more of the following criteria: it is a conservative change, it occurs at a poorly conserved position in the protein, it is predicted to be benign by multiple in silico algorithms, and/or has population frequency not consistent with disease.

Breakthrough Genomics
Classification: Benign. Review status: criteria provided, single submitter. Criteria: ACMG Guidelines, 2015. Collection method: not provided. Allele origin: germline. Inheritance: Autosomal recessive inheritance. Affected: yes.